The following is an entry in ClinVar:

ClinVar aggregate classification (germline): Likely benign. Review status: criteria provided, single submitter (1 of 4 stars). 2 submissions from 2 submitters: Likely benign (1). 1 of the submissions does not count toward it. Last evaluated 2026-04-01.

Conditions:
HSD17B4-related disorder. Also called: HSD17B4-related condition; HSD17B4-related disorders.

Submissions (2):

CeGaT Center for Human Genetics Tuebingen
Classification: Likely benign. Last evaluated: 2026-04-01. Review status: criteria provided, single submitter. Criteria: CeGaT Center For Human Genetics Tuebingen Variant Classification Criteria Version 2. Collection method: clinical testing. Allele origin: germline. Affected: yes. Observed: 2 variant alleles.
Comment: HSD17B4: PM2:Supporting, BP4, BP7

PreventionGenetics, part of Exact Sciences
Classification: Likely benign for HSD17B4-related condition. Last evaluated: 2024-05-16. Review status: no assertion criteria provided. Collection method: clinical testing. Allele origin: germline. Not counted in ClinVar's aggregate classification.
Comment: This variant is classified as likely benign based on ACMG/AMP sequence variant interpretation guidelines (Richards et al. 2015 PMID: 25741868, with internal and published modifications).

NM_000414.4(HSD17B4):c.2208C>T (p.Leu736=)

Gene: HSD17B4 (hydroxysteroid 17-beta dehydrogenase 4; plus strand). Cytogenetic location: 5q23.1.
Variant type: single nucleotide variant.
Coding change: c.2208C>T on transcript NM_000414.4 (MANE Select); coding-DNA position 2208, C replaced by T.
Protein change: p.Leu736=; no amino-acid change (leucine 736 retained).
Molecular consequence: synonymous variant. On other transcripts: non-coding transcript variant (2).
Genome position (GRCh38, 1-based): chr5:119,541,991, C>T. VCF-style: chr5-119541991-C-T. GRCh37 (hg19) VCF-style: chr5-118877686-C-T.
Other names: c.2283C>T, p.Leu761= (NM_001199291.3); c.2154C>T, p.Leu718= (NM_001199292.2); c.2136C>T, p.Leu712= (NM_001292027.2, NM_001374498.1); c.1788C>T, p.Leu596= (NM_001292028.2); c.2199C>T, p.Leu733= (NM_001374497.1); c.1881C>T, p.Leu627= (NM_001374499.1); c.1767C>T, p.Leu589= (NM_001374500.1); c.1797C>T, p.Leu599= (NM_001374501.1, NM_001374502.1, NM_001374503.1).
Identifiers: ClinVar variation 3348832 (VCV003348832.3).